The following is an entry in ClinVar:

ClinVar aggregate classification (germline): Uncertain significance. Review status: criteria provided, multiple submitters, no conflicts (2 of 4 stars). 5 submissions from 5 submitters: Uncertain significance (5). Last evaluated 2025-09-01.

Conditions:
Autosomal recessive nonsyndromic hearing loss 30. Identifiers: Orphanet 90636, MedGen C1846784, MONDO:0011774, OMIM 607101.
Hearing impairment. Also called: Impaired Hearing. Identifiers: MedGen C1384666, MONDO:0005365, HP:0000365.
MYO3A-related disorder. Also called: MYO3A-related condition.

Allele frequency attached by ClinVar (database versions not stated): ExAC 0.00001; gnomAD exomes 0.00001; TOPMed 0.00002; gnomAD 0.00003; ESP Exome Variant Server 0.00008.
gnomAD v4.1: 59 of 1,612,336 alleles (0.0037%); highest among the groups gnomAD compares: Non-Finnish European, 0.005%; no homozygotes.

Submissions (5):

Labcorp Genetics (formerly Invitae), Labcorp
Classification: Uncertain significance. Last evaluated: 2025-09-01. Review status: criteria provided, single submitter. Criteria: Invitae Variant Classification Sherloc (09022015). Collection method: clinical testing. Allele origin: germline.
Comment: This sequence change replaces valine, which is neutral and non-polar, with glycine, which is neutral and non-polar, at codon 78 of the MYO3A protein (p.Val78Gly). This variant is present in population databases (rs377015132, gnomAD 0.004%). This variant has not been reported in the literature in individuals affected with MYO3A-related conditions. ClinVar contains an entry for this variant (Variation ID: 878795). An algorithm developed to predict the effect of missense changes on protein structure and function (PolyPhen-2) suggests that this variant is likely to be disruptive. In summary, the available evidence is currently insufficient to determine the role of this variant in disease. Therefore, it has been classified as a Variant of Uncertain Significance.

PreventionGenetics, part of Exact Sciences
Classification: Uncertain significance for MYO3A-related condition. Last evaluated: 2024-12-06. Review status: criteria provided, single submitter. Criteria: ACMG Guidelines, 2015. Collection method: clinical testing. Allele origin: germline.
Comment: The MYO3A c.233T>G variant is predicted to result in the amino acid substitution p.Val78Gly. To our knowledge, this variant has not been reported in the literature. This variant is reported in 0.0026% of alleles in individuals of European (Non-Finnish) descent in gnomAD. At this time, the clinical significance of this variant is uncertain due to the absence of conclusive functional and genetic evidence.

Blueprint Genetics
Classification: Uncertain significance. Last evaluated: 2024-09-10. Review status: criteria provided, single submitter. Criteria: ACMG Guidelines, 2015. Collection method: clinical testing. Allele origin: germline.

Department of Otolaryngology – Head & Neck Surgery, Cochlear Implant Center
Classification: Uncertain significance for Hearing impairment. Last evaluated: 2021-04-12. Review status: criteria provided, single submitter. Criteria: ClinGen HL ACMG Specifications v1. Collection method: clinical testing. Allele origin: germline. Affected: yes.
Comment: PM2_Moderate, PP3_Supporting

Illumina Laboratory Services, Illumina
Classification: Uncertain significance for Autosomal recessive nonsyndromic hearing loss 30. Last evaluated: 2018-03-30. Review status: criteria provided, single submitter. Criteria: ICSL Variant Classification Criteria 13 December 2019. Collection method: clinical testing. Allele origin: germline.

NM_017433.5(MYO3A):c.233T>G (p.Val78Gly)

Gene: MYO3A (myosin IIIA; plus strand). Cytogenetic location: 10p12.1.
Variant type: single nucleotide variant.
Coding change: c.233T>G on transcript NM_017433.5 (MANE Select); coding-DNA position 233, T replaced by G.
Protein change: p.Val78Gly; replaces valine 78 with glycine.
Molecular consequence: missense variant.
Genome position (GRCh38, 1-based): chr10:25,954,938, T>G. VCF-style: chr10-25954938-T-G. GRCh37 (hg19) VCF-style: chr10-26243867-T-G.
Other names: c.233T>G, p.Val78Gly (NM_001368265.1); short protein forms V78G.
Identifiers: ClinVar variation 878795 (VCV000878795.10), dbSNP rs377015132, ClinGen allele CA5444236.